The following is an entry in ClinVar:

ClinVar aggregate classification (germline): Uncertain significance (1 of 4 stars; one submission).

Conditions:
Dyskeratosis congenita, autosomal dominant 6 (DKCA6). Identifiers: Orphanet 3322, MedGen C4225284, MONDO:0014690, OMIM 616553.

Allele frequency attached by ClinVar (database versions not stated): gnomAD exomes below 0.00001; gnomAD 0.00001; TOPMed 0.00001.
gnomAD v4.1: 3 of 1,613,490 alleles (0.00019%); highest among the groups gnomAD compares: African/African-American, 0.004%; no homozygotes.

Submission:

Labcorp Genetics (formerly Invitae), Labcorp
Classification: Uncertain significance for Dyskeratosis congenita, autosomal dominant 6. Last evaluated: 2021-04-22. Review status: criteria provided, single submitter. Criteria: Invitae Variant Classification Sherloc (09022015). Collection method: clinical testing. Allele origin: germline.
Comment: This sequence change falls in intron 6 of the ACD gene. It does not directly change the encoded amino acid sequence of the ACD protein. It affects a nucleotide within the consensus splice site of the intron. In summary, the available evidence is currently insufficient to determine the role of this variant in disease. Therefore, it has been classified as a Variant of Uncertain Significance. Nucleotide substitutions within the consensus splice site are a relatively common cause of aberrant splicing (PMID: 17576681, 9536098). Algorithms developed to predict the effect of sequence changes on RNA splicing suggest that this variant may disrupt the consensus splice site, but this prediction has not been confirmed by published transcriptional studies. This variant has not been reported in the literature in individuals with ACD-related conditions. This variant is not present in population databases (ExAC no frequency).

Literature cited by the submitters: PubMed 17576681; PubMed 9536098.

NM_001082486.2(ACD):c.494-3C>G

Gene: ACD (ACD shelterin complex subunit and telomerase recruitment factor; minus strand). Cytogenetic location: 16q22.1.
Variant type: single nucleotide variant.
Coding change: c.494-3C>G on transcript NM_001082486.2 (MANE Select); 3 bases into the intron before coding-DNA position 494, C replaced by G.
Molecular consequence: intron variant.
Genome position (GRCh38, 1-based): chr16:67,659,082, G>C on the plus strand (C>G on the coding strand, the complement: ACD is on the minus strand). VCF-style: chr16-67659082-G-C. GRCh37 (hg19) VCF-style: chr16-67692985-G-C.
Other names: c.485-3C>G (NM_022914.3).
Identifiers: ClinVar variation 1480980 (VCV001480980.6), dbSNP rs1173572864, ClinGen allele CA623121352.